The following is an entry in ClinVar:

ClinVar aggregate classification (germline): Uncertain significance. Review status: criteria provided, multiple submitters, no conflicts (2 of 4 stars). 2 submissions from 2 submitters: Uncertain significance (2). Last evaluated 2025-07-02.

Conditions:
Melanoma, cutaneous malignant, susceptibility to, 5. Also called: Cutaneous malignant melanoma 5. Identifiers: Orphanet 618, MedGen C2751295, MONDO:0013133, OMIM 613099.

Allele frequency attached by ClinVar (database versions not stated): gnomAD exomes 0.00001 and 0.00002; ExAC 0.00001.
gnomAD v4.1: 6 of 1,613,960 alleles (0.00037%); highest among the groups gnomAD compares: Admixed American, 0.0067%; no homozygotes.

Submissions (2):

Labcorp Genetics (formerly Invitae), Labcorp
Classification: Uncertain significance for Melanoma, cutaneous malignant, susceptibility to, 5. Last evaluated: 2025-07-02. Review status: criteria provided, single submitter. Criteria: Invitae Variant Classification Sherloc (09022015). Collection method: clinical testing. Allele origin: germline.
Comment: This sequence change replaces leucine, which is neutral and non-polar, with arginine, which is basic and polar, at codon 305 of the MC1R protein (p.Leu305Arg). This variant is present in population databases (rs780650451, gnomAD 0.009%). This variant has not been reported in the literature in individuals affected with MC1R-related conditions. ClinVar contains an entry for this variant (Variation ID: 1450772). Invitae Evidence Modeling of protein sequence and biophysical properties (such as structural, functional, and spatial information, amino acid conservation, physicochemical variation, residue mobility, and thermodynamic stability) indicates that this missense variant is expected to disrupt MC1R protein function with a positive predictive value of 80%. In summary, the available evidence is currently insufficient to determine the role of this variant in disease. Therefore, it has been classified as a Variant of Uncertain Significance.

Ambry Genetics
Classification: Uncertain significance. Last evaluated: 2024-11-26. Review status: criteria provided, single submitter. Criteria: Ambry Variant Classification Scheme 2023. Collection method: clinical testing. Allele origin: germline.
Comment: The p.L305R variant (also known as c.914T>G), located in coding exon 1 of the MC1R gene, results from a T to G substitution at nucleotide position 914. The leucine at codon 305 is replaced by arginine, an amino acid with dissimilar properties. This amino acid position is conserved. In addition, this alteration is predicted to be deleterious by in silico analysis. Based on the available evidence, the clinical significance of this variant remains unclear.

NM_002386.4(MC1R):c.914T>G (p.Leu305Arg)

Gene: MC1R (melanocortin 1 receptor; plus strand). Cytogenetic location: 16q24.3.
Variant type: single nucleotide variant.
Coding change: c.914T>G on transcript NM_002386.4 (MANE Select); coding-DNA position 914, T replaced by G.
Protein change: p.Leu305Arg; replaces leucine 305 with arginine.
Molecular consequence: missense variant.
Genome position (GRCh38, 1-based): chr16:89,920,172, T>G. VCF-style: chr16-89920172-T-G. GRCh37 (hg19) VCF-style: chr16-89986580-T-G.
Other names: c.914T>G (NM_002386.3); short protein forms L305R.
Identifiers: ClinVar variation 1450772 (VCV001450772.10), dbSNP rs780650451, ClinGen allele CA8255811.
Genomic context (GRCh38, chr16:89,920,172, plus strand): 5'-CCCTCATCATCTGCAATGCCATCATCGACCCCCTCATCTACGCCTTCCACAGCCAGGAGC[T>G]CCGCAGGACGCTCAAGGAGGTGCTGACATGCTCCTGGTGAGCGCGGTGCACGCGGCTTTA-3'
Protein context (NP_002377.4, residues 295-315): PLIYAFHSQE[Leu305Arg]RRTLKEVLTC